The following is an entry in ClinVar:

ClinVar aggregate classification (germline): Pathogenic (1 of 4 stars; one submission).

Conditions:
Duchenne muscular dystrophy (DMD). Also called: Duchenne Muscular Dystrophy (DMD); MUSCULAR DYSTROPHY, PSEUDOHYPERTROPHIC PROGRESSIVE, DUCHENNE TYPE. Identifiers: Orphanet 98896, MedGen C0013264, MONDO:0010679, OMIM 310200.

Submission:

Labcorp Genetics (formerly Invitae), Labcorp
Classification: Pathogenic for Duchenne muscular dystrophy. Last evaluated: 2021-11-10. Review status: criteria provided, single submitter. Criteria: Invitae Variant Classification Sherloc (09022015). Collection method: clinical testing. Allele origin: germline.
Comment: This variant is not present in population databases (gnomAD no frequency). This sequence change creates a premature translational stop signal (p.Asn2665Tyrfs*10) in the DMD gene. It is expected to result in an absent or disrupted protein product. Loss-of-function variants in DMD are known to be pathogenic (PMID: 16770791, 25007885). This premature translational stop signal has been observed in individual(s) with clinical features of Duchenne muscular dystrophy (PMID: 17726484). For these reasons, this variant has been classified as Pathogenic.

Literature cited by the submitters: PubMed 16770791; PubMed 25007885; PubMed 17726484.

NM_004006.3(DMD):c.7992_7993del (p.Asn2665fs)

Gene: DMD (dystrophin; minus strand). Cytogenetic location: Xp21.1.
Variant type: Microsatellite.
Coding change: c.7992_7993del on transcript NM_004006.3 (MANE Select); coding-DNA positions 7992 to 7993, 2 bases deleted (GA; older notation c.7992_7993delGA).
Protein change: p.Asn2665fs; shifts the reading frame from asparagine 2665.
Molecular consequence: frameshift variant.
Genome position (GRCh38, 1-based): chrX:31,658,024-31,658,025, TC deleted on the plus strand (GA on the coding strand, the reverse complement: DMD is on the minus strand); deleting any 2 consecutive bases within chrX:31,658,024-31,658,028 gives the same sequence; the c. name uses the placement nearest the transcript's 3' end. VCF-style (leftmost placement, unchanged base first): chrX-31658023-TTC-T. GRCh37 (hg19) VCF-style: chrX-31676140-TTC-T.
Other names: c.7968_7969del, p.Asn2657fs (NM_000109.4); c.7980_7981del, p.Asn2661fs (NM_004009.3); c.7623_7624del, p.Asn2542fs (NM_004010.3); c.3969_3970del, p.Asn1324fs (NM_004011.4); c.3960_3961del, p.Asn1321fs (NM_004012.4); c.612_613del, p.Asn205fs (NM_004013.3, NM_004020.4, NM_004021.3 and 2 more transcripts); short protein forms N2657fs, N205fs, N2661fs, N1321fs, N1324fs, N2542fs, N2665fs.
Identifiers: ClinVar variation 1457873 (VCV001457873.6), dbSNP rs2148615195, ClinGen allele CA2580616927.